The following is an entry in ClinVar:

NM_006922.4(SCN3A):c.4435G>A (p.Gly1479Arg)

Gene: SCN3A (sodium voltage-gated channel alpha subunit 3; minus strand). Cytogenetic location: 2q24.3.
Variant type: single nucleotide variant.
Coding change: c.4435G>A on transcript NM_006922.4 (MANE Select); coding-DNA position 4435, G replaced by A.
Protein change: p.Gly1479Arg; replaces glycine 1479 with arginine.
Molecular consequence: missense variant.
Genome position (GRCh38, 1-based): chr2:165,094,475, C>T on the plus strand (G>A on the coding strand, the complement: SCN3A is on the minus strand). VCF-style: chr2-165094475-C-T. GRCh37 (hg19) VCF-style: chr2-165950985-C-T.
Other names: c.4288G>A, p.Gly1430Arg (NM_001081676.2, NM_001081677.2); short protein forms G1430R, G1479R.
Identifiers: ClinVar variation 3371611 (VCV003371611.1).
Genomic context (GRCh38, chr2:165,094,475, plus strand): 5'-GTTTCTTCATTGCATTGTAATATTTTTTCTGTTCCTCTGTCATAAAGATGTCTTGACCTC[C>T]AAAGTAAAGACATAGTATAAAACTGGTTACAATTCTGTGTTCCAATAGTACTTTCACAAA-3'
Protein context (NP_008853.3, residues 1469-1489): DNFNQQKKKF[Gly1479Arg]GQDIFMTEEQ

ClinVar aggregate classification (germline): Uncertain significance (1 of 4 stars; one submission).

Submission:

GeneDx
Classification: Uncertain significance. Last evaluated: 2024-03-28. Review status: criteria provided, single submitter. Criteria: GeneDx Variant Classification Process June 2021. Collection method: clinical testing. Allele origin: germline. Affected: yes.
Comment: Not observed at significant frequency in large population cohorts (gnomAD); In silico analysis supports that this missense variant has a deleterious effect on protein structure/function; In silico analysis supports a deleterious effect on splicing; Has not been previously published as pathogenic or benign to our knowledge